The following is an entry in ClinVar:

ClinVar aggregate classification (germline): Benign (1 of 4 stars; one submission).

Submissions (2):

Center for Genomic Medicine, Rigshospitalet, Copenhagen University Hospital
Classification: Benign. Last evaluated: 2025-03-04. Review status: criteria provided, single submitter. Criteria: ACMG Guidelines, 2015. Collection method: clinical testing. Allele origin: germline.

Brotman Baty Institute, University of Washington
No classification provided (evidence only). Condition: Breast-ovarian cancer, familial 1. Review status: no classification provided. Collection method: in vitro. Allele origin: not applicable. Functional consequence: functionally_normal. Not counted in ClinVar's aggregate classification.
ClinVar note: "not provided" was previously submitted as the classification for the variant. However, the classification appeared to be based only on an observation of functional data so it was converted to no classification on 2025-07-30.

Literature cited by the submitters: PubMed 30209399 (cited by Center for Genomic Medicine, Rigshospitalet, Copenhagen University Hospital).

NM_007294.4(BRCA1):c.4913A>T (p.Glu1638Val)

Gene: BRCA1 (BRCA1 DNA repair associated; minus strand). Cytogenetic location: 17q21.31.
Variant type: single nucleotide variant.
Coding change: c.4913A>T on transcript NM_007294.4 (MANE Select); coding-DNA position 4913, A replaced by T.
Protein change: p.Glu1638Val; replaces glutamic acid 1638 with valine.
Molecular consequence: missense variant. On other transcripts: non-coding transcript variant (1).
Genome position (GRCh38, 1-based): chr17:43,071,001, T>A on the plus strand (A>T on the coding strand, the complement: BRCA1 is on the minus strand). VCF-style: chr17-43071001-T-A. GRCh37 (hg19) VCF-style: chr17-41223018-T-A.
Other names: c.4700A>T, p.Glu1567Val (NM_001407571.1, NM_001407894.1, NM_001407895.1 and 12 more transcripts); c.4979A>T, p.Glu1660Val (NM_001407581.1, NM_001407582.1); c.4976A>T, p.Glu1659Val (NM_001407583.1, NM_001407585.1, NM_001407587.1 and 1 more transcripts); c.4973A>T, p.Glu1658Val (NM_001407590.1, NM_001407591.1); c.4913A>T, p.Glu1638Val (NM_001407593.1, NM_001407594.1, NM_001407596.1 and 8 more transcripts); c.4910A>T, p.Glu1637Val (NM_001407610.1, NM_001407611.1, NM_001407612.1 and 17 more transcripts); c.4907A>T, p.Glu1636Val (NM_001407627.1, NM_001407628.1, NM_001407629.1 and 14 more transcripts); c.4904A>T, p.Glu1635Val (NM_001407644.1, NM_001407645.1); and 70 more; short protein forms E1591V, E1638V, E1659V, E534V, E1526V, E1527V, E1549V, E1589V.
Identifiers: ClinVar variation 868843 (VCV000868843.5), dbSNP rs2052380495, ClinGen allele CA10591696.